The following is an entry in ClinVar:

ClinVar aggregate classification (germline): Pathogenic (1 of 4 stars; one submission).

Conditions:
Intellectual developmental disorder with poor growth and with or without seizures or ataxia. Identifiers: MedGen C5394135, MONDO:0032930, OMIM 618808.

Submission:

3billion
Classification: Pathogenic for Intellectual developmental disorder with poor growth and with or without seizures or ataxia. Review status: criteria provided, single submitter. Criteria: ACMG Guidelines, 2015. Collection method: clinical testing. Allele origin: unknown. Affected: yes. Observed: 1 homozygote.
Comment: The variant is not observed in the gnomAD v2.1.1 dataset. The variant is predicted to result in a loss or disruption of normal protein function through nonsense-mediated decay (NMD) or protein truncation. Multiple pathogenic variants are reported downstream of the variant. Therefore, this variant is classified as Pathogenic according to the recommendation of ACMG/AMP guideline.

NM_001606.5(ABCA2):c.1850del (p.Ser617fs)

Gene: ABCA2 (ATP binding cassette subfamily A member 2; minus strand). Cytogenetic location: 9q34.3.
Variant type: Deletion.
Coding change: c.1850del on transcript NM_001606.5 (MANE Select); coding-DNA position 1850, one base deleted (C; older notation c.1850delC).
Protein change: p.Ser617fs; shifts the reading frame from serine 617.
Molecular consequence: frameshift variant.
Genome position (GRCh38, 1-based): chr9:137,018,321, G deleted on the plus strand (C on the coding strand, the reverse complement: ABCA2 is on the minus strand). VCF-style (leftmost placement, unchanged base first): chr9-137018320-CG-C. GRCh37 (hg19) VCF-style: chr9-139912772-CG-C.
Other names: c.1847del, p.Ser616fs (NM_001411042.1); c.1940del, p.Ser647fs (NM_212533.3); short protein forms S616fs, S617fs, S647fs.
Identifiers: ClinVar variation 2572524 (VCV002572524.1), dbSNP rs2491538919, ClinGen allele CA2580615410.